The following is an entry in ClinVar:

ClinVar aggregate classification (germline): Pathogenic (1 of 4 stars; one submission).

Conditions:
Developmental and epileptic encephalopathy, 37 (DEE37). Also called: Epileptic encephalopathy, early infantile, 37. Identifiers: MedGen C4310770, MONDO:0014859, OMIM 616981.

Submission:

Institute of Human Genetics, University of Leipzig Medical Center
Classification: Pathogenic for Developmental and epileptic encephalopathy, 37. Last evaluated: 2020-03-01. Review status: criteria provided, single submitter. Criteria: ACMG Guidelines, 2015. Collection method: clinical testing. Allele origin: biparental. Inheritance: Autosomal recessive inheritance. Affected: yes.
Comment: Review of the variants reported in Reuter et al., 2017, PMID: 28097321: PVS1,PS3,PM2,PM3_Supporting

NM_014334.4(FRRS1L):c.431del (p.Val144fs)

Gene: FRRS1L (ferric chelate reductase 1 like; minus strand). Cytogenetic location: 9q31.3.
Variant type: Deletion.
Coding change: c.431del on transcript NM_014334.4 (MANE Select); coding-DNA position 431, one base deleted (T; older notation c.431delT).
Protein change: p.Val144fs; shifts the reading frame from valine 144.
Molecular consequence: frameshift variant.
Genome position (GRCh38, 1-based): chr9:109,147,082, A deleted on the plus strand (T on the coding strand, the reverse complement: FRRS1L is on the minus strand). VCF-style (leftmost placement, unchanged base first): chr9-109147081-TA-T. GRCh37 (hg19) VCF-style: chr9-111909361-TA-T.
Other names: short protein forms V144fs.
Identifiers: ClinVar variation 984706 (VCV000984706.1), dbSNP rs1831271059, ClinGen allele CA1139661129.